The following is an entry in ClinVar:

NM_000388.4(CASR):c.1135G>A (p.Glu379Lys)

Gene: CASR (calcium sensing receptor; plus strand). Cytogenetic location: 3q21.1.
Variant type: single nucleotide variant.
Coding change: c.1135G>A on transcript NM_000388.4 (MANE Select); coding-DNA position 1135, G replaced by A.
Protein change: p.Glu379Lys; replaces glutamic acid 379 with lysine.
Molecular consequence: missense variant.
Genome position (GRCh38, 1-based): chr3:122,262,170, G>A. VCF-style: chr3-122262170-G-A. GRCh37 (hg19) VCF-style: chr3-121981017-G-A.
Other names: c.1135G>A, p.Glu379Lys (NM_001178065.2); short protein forms E379K.
Identifiers: ClinVar variation 1488064 (VCV001488064.8), dbSNP rs1189291559, ClinGen allele CA354152664.

ClinVar aggregate classification (germline): Uncertain significance. Review status: criteria provided, multiple submitters, no conflicts (2 of 4 stars). 2 submissions from 2 submitters: Uncertain significance (2). Last evaluated 2024-04-25.

Conditions:
Familial hypocalciuric hypercalcemia (FHH). Also called: Familial benign hypercalcemia. Identifiers: Orphanet 405, MedGen C1809471, MONDO:0018458.
Autosomal dominant hypocalcemia 1 (HYPOC1). Also called: HYPOCALCEMIA, FAMILIAL. Identifiers: MedGen C3715128, MONDO:0011013, OMIM 601198.
Nephrolithiasis/nephrocalcinosis. Identifiers: MedGen CN580796.

Allele frequency attached by ClinVar (database versions not stated): gnomAD exomes below 0.00001.
gnomAD v4.1: 4 of 1,614,224 alleles (0.00025%); highest among the groups gnomAD compares: Non-Finnish European, 0.00034%; no homozygotes.

Submissions (2):

Labcorp Genetics (formerly Invitae), Labcorp
Classification: Uncertain significance for Familial hypocalciuric hypercalcemia; Autosomal dominant hypocalcemia 1. Last evaluated: 2024-04-25. Review status: criteria provided, single submitter. Criteria: Invitae Variant Classification Sherloc (09022015). Collection method: clinical testing. Allele origin: germline.
Comment: This sequence change replaces glutamic acid, which is acidic and polar, with lysine, which is basic and polar, at codon 379 of the CASR protein (p.Glu379Lys). This variant is present in population databases (no rsID available, gnomAD 0.0009%). This variant has not been reported in the literature in individuals affected with CASR-related conditions. ClinVar contains an entry for this variant (Variation ID: 1488064). An algorithm developed to predict the effect of missense changes on protein structure and function (PolyPhen-2) suggests that this variant is likely to be tolerated. In summary, the available evidence is currently insufficient to determine the role of this variant in disease. Therefore, it has been classified as a Variant of Uncertain Significance.

Ambry Genetics
Classification: Uncertain significance for Nephrolithiasis/nephrocalcinosis. Last evaluated: 2023-07-23. Review status: criteria provided, single submitter. Criteria: Ambry Variant Classification Scheme 2023. Collection method: clinical testing. Allele origin: germline.
Comment: The p.E379K variant (also known as c.1135G>A), located in coding exon 3 of the CASR gene, results from a G to A substitution at nucleotide position 1135. The glutamic acid at codon 379 is replaced by lysine, an amino acid with similar properties. This amino acid position is conserved. In addition, the in silico prediction for this alteration is inconclusive. Since supporting evidence is limited at this time, the clinical significance of this alteration remains unclear.